The following is an entry in ClinVar:

ClinVar aggregate classification (germline): Uncertain significance (1 of 4 stars; one submission).

Submission:

Labcorp Genetics (formerly Invitae), Labcorp
Classification: Uncertain significance. Last evaluated: 2023-05-20. Review status: criteria provided, single submitter. Criteria: Invitae Variant Classification Sherloc (09022015). Collection method: clinical testing. Allele origin: germline.
Comment: In summary, the available evidence is currently insufficient to determine the role of this variant in disease. Therefore, it has been classified as a Variant of Uncertain Significance. Advanced modeling of protein sequence and biophysical properties (such as structural, functional, and spatial information, amino acid conservation, physicochemical variation, residue mobility, and thermodynamic stability) performed at Invitae indicates that this missense variant is not expected to disrupt TUBB1 protein function. This variant has not been reported in the literature in individuals affected with TUBB1-related conditions. This variant is present in population databases (no rsID available, gnomAD 0.006%). This sequence change replaces histidine, which is basic and polar, with tyrosine, which is neutral and polar, at codon 122 of the TUBB1 protein (p.His122Tyr).

NM_030773.4(TUBB1):c.364C>T (p.His122Tyr)

Gene: TUBB1 (tubulin beta 1 class VI; plus strand). Cytogenetic location: 20q13.32.
Variant type: single nucleotide variant.
Coding change: c.364C>T on transcript NM_030773.4 (MANE Select); coding-DNA position 364, C replaced by T.
Protein change: p.His122Tyr; replaces histidine 122 with tyrosine.
Molecular consequence: missense variant.
Genome position (GRCh38, 1-based): chr20:59,023,791, C>T. VCF-style: chr20-59023791-C-T. GRCh37 (hg19) VCF-style: chr20-57598846-C-T.
Other names: short protein forms H122Y.
Identifiers: ClinVar variation 2866308 (VCV002866308.3), dbSNP rs1335877666, ClinGen allele CA409466766.